The following is an entry in ClinVar:

NM_003331.5(TYK2):c.1022G>T (p.Gly341Val)

Gene: TYK2 (tyrosine kinase 2; minus strand). Cytogenetic location: 19p13.2.
Variant type: single nucleotide variant.
Coding change: c.1022G>T on transcript NM_003331.5 (MANE Select); coding-DNA position 1022, G replaced by T.
Protein change: p.Gly341Val; replaces glycine 341 with valine.
Molecular consequence: missense variant. On other transcripts: intron variant (1).
Genome position (GRCh38, 1-based): chr19:10,365,038, C>A on the plus strand (G>T on the coding strand, the complement: TYK2 is on the minus strand). VCF-style: chr19-10365038-C-A. GRCh37 (hg19) VCF-style: chr19-10475714-C-A.
Other names: c.1022G>T, p.Gly341Val (NM_001385197.1, NM_001385198.1, NM_001385199.1 and 7 more transcripts); c.932G>T, p.Gly311Val (NM_001385205.1); c.1012-267G>T (NM_001385201.1); short protein forms G341V, G311V.
Identifiers: ClinVar variation 3678483 (VCV003678483.2).

ClinVar aggregate classification (germline): Uncertain significance (1 of 4 stars; one submission).

Conditions:
Immunodeficiency 35 (IMD35). Also called: TYK2 DEFICIENCY; HIES WITH ATYPICAL MYCOBACTERIOSIS, AUTOSOMAL RECESSIVE; HYPER-IgE SYNDROME WITH ATYPICAL MYCOBACTERIOSIS, AUTOSOMAL RECESSIVE; Susceptibility to infection due to TYK2 deficiency. Identifiers: Orphanet 331226, MedGen C1969086, MONDO:0012682, OMIM 611521.

Submission:

Labcorp Genetics (formerly Invitae), Labcorp
Classification: Uncertain significance for Immunodeficiency 35. Last evaluated: 2024-11-30. Review status: criteria provided, single submitter. Criteria: Invitae Variant Classification Sherloc (09022015). Collection method: clinical testing. Allele origin: germline.
Comment: This sequence change replaces glycine, which is neutral and non-polar, with valine, which is neutral and non-polar, at codon 341 of the TYK2 protein (p.Gly341Val). This variant is not present in population databases (gnomAD no frequency). This variant has not been reported in the literature in individuals affected with TYK2-related conditions. An algorithm developed to predict the effect of missense changes on protein structure and function (PolyPhen-2) suggests that this variant is likely to be tolerated. In summary, the available evidence is currently insufficient to determine the role of this variant in disease. Therefore, it has been classified as a Variant of Uncertain Significance.